The following is an entry in ClinVar:

ClinVar aggregate classification (germline): Uncertain significance (1 of 4 stars; one submission).

Submission:

Labcorp Genetics (formerly Invitae), Labcorp
Classification: Uncertain significance. Last evaluated: 2024-03-14. Review status: criteria provided, single submitter. Criteria: Invitae Variant Classification Sherloc (09022015). Collection method: clinical testing. Allele origin: germline.
Comment: This sequence change replaces glutamine, which is neutral and polar, with histidine, which is basic and polar, at codon 567 of the RNF168 protein (p.Gln567His). This variant is not present in population databases (gnomAD no frequency). This variant has not been reported in the literature in individuals affected with RNF168-related conditions. ClinVar contains an entry for this variant (Variation ID: 1478136). Algorithms developed to predict the effect of missense changes on protein structure and function output the following: SIFT: "Not Available"; PolyPhen-2: "Benign"; Align-GVGD: "Not Available". The histidine amino acid residue is found in multiple mammalian species, which suggests that this missense change does not adversely affect protein function. In summary, the available evidence is currently insufficient to determine the role of this variant in disease. Therefore, it has been classified as a Variant of Uncertain Significance.

NM_152617.4(RNF168):c.1701G>T (p.Gln567His)

Gene: RNF168 (ring finger protein 168; minus strand). Cytogenetic location: 3q29.
Variant type: single nucleotide variant.
Coding change: c.1701G>T on transcript NM_152617.4 (MANE Select); coding-DNA position 1701, G replaced by T.
Protein change: p.Gln567His; replaces glutamine 567 with histidine.
Molecular consequence: missense variant.
Genome position (GRCh38, 1-based): chr3:196,471,834, C>A on the plus strand (G>T on the coding strand, the complement: RNF168 is on the minus strand). VCF-style: chr3-196471834-C-A. GRCh37 (hg19) VCF-style: chr3-196198705-C-A.
Other names: short protein forms Q567H.
Identifiers: ClinVar variation 1478136 (VCV001478136.8), dbSNP rs189893789, ClinGen allele CA355614219.